The following is an entry in ClinVar:

NM_001318852.2(MAPK8IP3):c.3376G>A (p.Val1126Met)

Gene: MAPK8IP3 (mitogen-activated protein kinase 8 interacting protein 3; plus strand). Cytogenetic location: 16p13.3.
Variant type: single nucleotide variant.
Coding change: c.3376G>A on transcript NM_001318852.2 (MANE Select); coding-DNA position 3376, G replaced by A.
Protein change: p.Val1126Met; replaces valine 1126 with methionine.
Molecular consequence: missense variant.
Genome position (GRCh38, 1-based): chr16:1,767,702, G>A. VCF-style: chr16-1767702-G-A. GRCh37 (hg19) VCF-style: chr16-1817703-G-A.
Other names: c.3355G>A, p.Val1119Met (NM_001040439.2); c.3373G>A, p.Val1125Met (NM_015133.5); short protein forms V1119M, V1125M, V1126M.
Identifiers: ClinVar variation 3365117 (VCV003365117.2).
Genomic context (GRCh38, chr16:1,767,702, plus strand): 5'-ATCCGCCTGGACTCCACCCTGAGGCTCTACCATGCACACACGCACCAGCATCTACAGGAC[G>A]TGGACATTGAGCCCTACGTCAGCAAGATGCTAGGTGAGGGGCCACGCCAGATGGGGTGGT-3'
Protein context (NP_001305781.1, residues 1116-1136): HAHTHQHLQD[Val1126Met]DIEPYVSKML

ClinVar aggregate classification (germline): Uncertain significance (1 of 4 stars; one submission).

gnomAD v4.1: 2 of 1,612,782 alleles (0.00012%); highest among the groups gnomAD compares: Non-Finnish European, 0.00017%; no homozygotes.

Submission:

GeneDx
Classification: Uncertain significance. Last evaluated: 2026-03-08. Review status: criteria provided, single submitter. Criteria: GeneDx Variant Classification Process June 2021. Collection method: clinical testing. Allele origin: germline.
Comment: Observed as apparently de novo variant in an individual with autism; however no further clinical information was provided (PMID: 35982160, 35982159); Not observed at significant frequency in large population cohorts (gnomAD); In silico analysis supports that this missense variant has a deleterious effect on protein structure/function; This variant is associated with the following publications: (PMID: 35982159, 35982160)